The following is an entry in ClinVar:

ClinVar aggregate classification (germline): Uncertain significance (1 of 4 stars; one submission).

Conditions:
Inborn genetic diseases. Identifiers: MedGen C0950123, MeSH D030342.

Submission:

Ambry Genetics
Classification: Uncertain significance for Inborn genetic diseases. Last evaluated: 2025-10-01. Review status: criteria provided, single submitter. Criteria: Ambry Variant Classification Scheme 2023. Collection method: clinical testing. Allele origin: germline.
Comment: The c.497C>T (p.P166L) alteration is located in exon 7 (coding exon 7) of the GNPTG gene. This alteration results from a C to T substitution at nucleotide position 497, causing the proline (P) at amino acid position 166 to be replaced by a leucine (L). Based on data from gnomAD, the T allele has an overall frequency of <0.001% (0/249694) total alleles studied. The highest observed frequency was <0.001% (/) of alleles. Based on insufficient or conflicting evidence, the clinical significance of this alteration remains unclear.

NM_032520.5(GNPTG):c.497C>T (p.Pro166Leu)

Gene: GNPTG (N-acetylglucosamine-1-phosphate transferase subunit gamma; plus strand). Cytogenetic location: 16p13.3.
Variant type: single nucleotide variant.
Coding change: c.497C>T on transcript NM_032520.5 (MANE Select); coding-DNA position 497, C replaced by T.
Protein change: p.Pro166Leu; replaces proline 166 with leucine.
Molecular consequence: missense variant.
Genome position (GRCh38, 1-based): chr16:1,362,291, C>T. VCF-style: chr16-1362291-C-T. GRCh37 (hg19) VCF-style: chr16-1412292-C-T.
Other names: short protein forms P166L.
Identifiers: ClinVar variation 4620990 (VCV004620990.1).